The following is an entry in ClinVar:

NM_018668.5(VPS33B):c.499-3C>G

Gene: VPS33B (VPS33B late endosome and lysosome associated; minus strand). Cytogenetic location: 15q26.1.
Variant type: single nucleotide variant.
Coding change: c.499-3C>G on transcript NM_018668.5 (MANE Select); 3 bases into the intron before coding-DNA position 499, C replaced by G.
Molecular consequence: intron variant.
Genome position (GRCh38, 1-based): chr15:91,007,576, G>C on the plus strand (C>G on the coding strand, the complement: VPS33B is on the minus strand). VCF-style: chr15-91007576-G-C. GRCh37 (hg19) VCF-style: chr15-91550806-G-C.
Other names: c.499-3C>G (NM_018668.4); c.418-3C>G (NM_001289148.1); c.226-3C>G (NM_001289149.1).
Identifiers: ClinVar variation 885571 (VCV000885571.8), dbSNP rs201919090, ClinGen allele CA7745020.

ClinVar aggregate classification (germline): Uncertain significance. Review status: criteria provided, multiple submitters, no conflicts (2 of 4 stars). 4 submissions from 4 submitters: Uncertain significance (4). Last evaluated 2025-11-03.

Conditions:
Keratoderma-ichthyosis-deafness syndrome, autosomal recessive (KDIDAR). Identifiers: MedGen C5774200, MONDO:0859278, OMIM 620009.
Cholestasis, progressive familial intrahepatic, 12 (PFIC12). Also called: CHOLESTASIS, ISOLATED LOW-GGT. Identifiers: MedGen C5774311, MONDO:0031040, OMIM 620010.
Arthrogryposis, renal dysfunction, and cholestasis 1 (ARCS1). Identifiers: Orphanet 2697, MedGen C1859722, MONDO:0008822, OMIM 208085.
VPS33B-related disorder. Also called: VPS33B-related condition.

Allele frequency attached by ClinVar (database versions not stated): TOPMed 0.00006; gnomAD 0.00009; 1000 Genomes Project 30x 0.00016; gnomAD exomes 0.00004 and 0.00006; ExAC 0.00006; 1000 Genomes Project 0.00020.
gnomAD v4.1: 75 of 1,613,770 alleles (0.0046%); highest among the groups gnomAD compares: Admixed American, 0.037%; no homozygotes.

Submissions (4):

PreventionGenetics, part of Exact Sciences
Classification: Uncertain significance for VPS33B-related condition. Last evaluated: 2025-11-03. Review status: criteria provided, single submitter. Criteria: ACMG Guidelines, 2015. Collection method: clinical testing. Allele origin: germline.
Comment: The VPS33B c.499-3C>G variant is predicted to interfere with splicing. This variant is predicted to impact splicing based on one available splicing prediction program (Jaganathan et al. 2019. PubMed ID: 30661751). To our knowledge, this variant has not been reported in the literature. This variant is reported in 0.029% of alleles in individuals of Latino descent in gnomAD. At this time, the clinical significance of this variant is uncertain due to the absence of conclusive functional and genetic evidence.

Labcorp Genetics (formerly Invitae), Labcorp
Classification: Uncertain significance. Last evaluated: 2025-01-06. Review status: criteria provided, single submitter. Criteria: Invitae Variant Classification Sherloc (09022015). Collection method: clinical testing. Allele origin: germline.
Comment: This sequence change falls in intron 7 of the VPS33B gene. It does not directly change the encoded amino acid sequence of the VPS33B protein. It affects a nucleotide within the consensus splice site. This variant is present in population databases (rs201919090, gnomAD 0.03%). This variant has not been reported in the literature in individuals affected with VPS33B-related conditions. ClinVar contains an entry for this variant (Variation ID: 885571). Variants that disrupt the consensus splice site are a relatively common cause of aberrant splicing (PMID: 17576681, 9536098). Algorithms developed to predict the effect of sequence changes on RNA splicing suggest that this variant may disrupt the consensus splice site. In summary, the available evidence is currently insufficient to determine the role of this variant in disease. Therefore, it has been classified as a Variant of Uncertain Significance.

Fulgent Genetics
Classification: Uncertain significance for Arthrogryposis, renal dysfunction, and cholestasis 1; Keratoderma-ichthyosis-deafness syndrome, autosomal recessive; Cholestasis, progressive familial intrahepatic, 12. Last evaluated: 2024-04-19. Review status: criteria provided, single submitter. Criteria: ACMG Guidelines, 2015. Collection method: clinical testing. Allele origin: germline.

Illumina Laboratory Services, Illumina
Classification: Uncertain significance for Arthrogryposis, renal dysfunction, and cholestasis 1. Last evaluated: 2018-01-12. Review status: criteria provided, single submitter. Criteria: ICSL Variant Classification Criteria 13 December 2019. Collection method: clinical testing. Allele origin: germline.

Literature cited by the submitters: PubMed 17576681 (cited by Labcorp Genetics (formerly Invitae), Labcorp); PubMed 9536098 (cited by Labcorp Genetics (formerly Invitae), Labcorp).